The following is an entry in ClinVar:

NM_005412.6(SHMT2):c.218T>A (p.Leu73His)

Gene: SHMT2 (serine hydroxymethyltransferase 2; plus strand). Cytogenetic location: 12q13.3.
Variant type: single nucleotide variant.
Coding change: c.218T>A on transcript NM_005412.6 (MANE Select); coding-DNA position 218, T replaced by A.
Protein change: p.Leu73His; replaces leucine 73 with histidine.
Molecular consequence: missense variant. On other transcripts: non-coding transcript variant (4).
Genome position (GRCh38, 1-based): chr12:57,230,987, T>A. VCF-style: chr12-57230987-T-A. GRCh37 (hg19) VCF-style: chr12-57624770-T-A.
Other names: c.218T>A, p.Leu73His (NM_001166356.2); c.155T>A, p.Leu52His (NM_001166357.1, NM_001166358.2, NM_001166359.1); short protein forms L73H, L52H.
Identifiers: ClinVar variation 5005140 (VCV005005140.2).

ClinVar aggregate classification (germline): Uncertain significance (1 of 4 stars; one submission).

Conditions:
Neurodevelopmental disorder with cardiomyopathy, spasticity, and brain abnormalities. Identifiers: MedGen C5436848, MONDO:0030866, OMIM 619121.

Submission:

Juno Genomics, Hangzhou Juno Genomics, Inc
Classification: Uncertain significance for Neurodevelopmental disorder with cardiomyopathy, spasticity, and brain abnormalities. Review status: criteria provided, single submitter. Criteria: ACMG Guidelines, 2015. Collection method: clinical testing. Allele origin: germline.
Comment: Absent from controls (or at extremely low frequency if recessive) in Genome Aggregation Database.;Multiple lines of computational evidence support a deleterious effect on the gene or gene product.